The following is an entry in ClinVar:

NM_017777.4(MKS1):c.385A>T (p.Thr129Ser)

Gene: MKS1 (MKS transition zone complex subunit 1; minus strand). Cytogenetic location: 17q22.
Variant type: single nucleotide variant.
Coding change: c.385A>T on transcript NM_017777.4 (MANE Select); coding-DNA position 385, A replaced by T.
Protein change: p.Thr129Ser; replaces threonine 129 with serine.
Molecular consequence: missense variant. On other transcripts: 5 prime UTR variant (1).
Genome position (GRCh38, 1-based): chr17:58,216,120, T>A on the plus strand (A>T on the coding strand, the complement: MKS1 is on the minus strand). VCF-style: chr17-58216120-T-A. GRCh37 (hg19) VCF-style: chr17-56293481-T-A.
Other names: c.-127A>T (NM_001321268.2); c.385A>T, p.Thr129Ser (NM_001321269.2, NM_001330397.2, NM_001411113.1); short protein forms T129S.
Identifiers: ClinVar variation 2006160 (VCV002006160.4), dbSNP rs374506610, ClinGen allele CA400327398.
Genomic context (GRCh38, chr17:58,216,120, plus strand): 5'-AGCTATGAGACCCTAGAAAGAACAATACCTCCTCCAAATTGGTGTATCTATCAGAGTCAG[T>A]GTAGGTAAAGATTCGTCGGTTTTTCTTGCCACCCGAATTCTCCAGCTTCAGGATCTCCTG-3'
Protein context (NP_060247.2, residues 119-139): GKKNRRIFTY[Thr129Ser]DSDRYTNLEE

ClinVar aggregate classification (germline): Uncertain significance (1 of 4 stars; one submission).

Conditions:
Joubert syndrome. Also called: CEREBELLOPARENCHYMAL DISORDER IV; JOUBERT-BOLTSHAUSER SYNDROME; Familial aplasia of the vermis. Identifiers: Orphanet 475, MedGen C5979921, MONDO:0018772.
Meckel-Gruber syndrome. Also called: DYSENCEPHALIA SPLANCHNOCYSTICA; GRUBER SYNDROME; Dysencephalia splachnocystica. Identifiers: Orphanet 564, MedGen C0265215, MONDO:0018921.

Submission:

Labcorp Genetics (formerly Invitae), Labcorp
Classification: Uncertain significance for Joubert syndrome; Meckel-Gruber syndrome. Last evaluated: 2023-08-14. Review status: criteria provided, single submitter. Criteria: Invitae Variant Classification Sherloc (09022015). Collection method: clinical testing. Allele origin: germline.
Comment: This sequence change replaces threonine, which is neutral and polar, with serine, which is neutral and polar, at codon 129 of the MKS1 protein (p.Thr129Ser). This variant is not present in population databases (gnomAD no frequency). This variant has not been reported in the literature in individuals affected with MKS1-related conditions. ClinVar contains an entry for this variant (Variation ID: 2006160). Advanced modeling of protein sequence and biophysical properties (such as structural, functional, and spatial information, amino acid conservation, physicochemical variation, residue mobility, and thermodynamic stability) performed at Invitae indicates that this missense variant is not expected to disrupt MKS1 protein function. In summary, the available evidence is currently insufficient to determine the role of this variant in disease. Therefore, it has been classified as a Variant of Uncertain Significance.